The following is an entry in ClinVar:

ClinVar aggregate classification (germline): Likely benign. Review status: criteria provided, multiple submitters, no conflicts (2 of 4 stars). 3 submissions from 3 submitters: Likely benign (3). Last evaluated 2026-01-26.

Conditions:
Early-infantile DEE. Also called: Early infantile epileptic encephalopathy with suppression bursts; Early infantile epileptic encephalopathy; Ohtahara syndrome. Identifiers: Orphanet 1934, MedGen C0393706, MONDO:0800491.
CACNA2D2-related disorder. Also called: CACNA2D2-related condition.

Allele frequency attached by ClinVar (database versions not stated): gnomAD 0.00002 and 0.00003; gnomAD exomes 0.00003 and 0.00004; TOPMed 0.00004; ExAC 0.00005; ESP Exome Variant Server 0.00008.
gnomAD v4.1: 55 of 1,613,820 alleles (0.0034%); highest among the groups gnomAD compares: Admixed American, 0.0067%; no homozygotes.

Submissions (3):

Labcorp Genetics (formerly Invitae), Labcorp
Classification: Likely benign for Early-infantile DEE. Last evaluated: 2026-01-26. Review status: criteria provided, single submitter. Criteria: Invitae Variant Classification Sherloc (09022015). Collection method: clinical testing. Allele origin: germline.

PreventionGenetics, part of Exact Sciences
Classification: Likely benign for CACNA2D2-related condition. Last evaluated: 2025-09-11. Review status: criteria provided, single submitter. Criteria: ACMG Guidelines, 2015. Collection method: clinical testing. Allele origin: germline.
Comment: This variant is classified as likely benign based on ACMG/AMP sequence variant interpretation guidelines (Richards et al. 2015 PMID: 25741868, with internal and published modifications).

CeGaT Center for Human Genetics Tuebingen
Classification: Likely benign. Last evaluated: 2024-08-01. Review status: criteria provided, single submitter. Criteria: CeGaT Center For Human Genetics Tuebingen Variant Classification Criteria Version 2. Collection method: clinical testing. Allele origin: germline. Affected: yes. Observed: 1 variant allele.
Comment: CACNA2D2: BP4, BP7

NM_006030.4(CACNA2D2):c.945C>T (p.Cys315=)

Gene: CACNA2D2 (calcium voltage-gated channel auxiliary subunit alpha2delta 2; minus strand). Cytogenetic location: 3p21.31.
Variant type: single nucleotide variant.
Coding change: c.945C>T on transcript NM_006030.4 (MANE Select); coding-DNA position 945, C replaced by T.
Protein change: p.Cys315=; no amino-acid change (cysteine 315 retained).
Molecular consequence: synonymous variant.
Genome position (GRCh38, 1-based): chr3:50,379,773, G>A on the plus strand (C>T on the coding strand, the complement: CACNA2D2 is on the minus strand). VCF-style: chr3-50379773-G-A. GRCh37 (hg19) VCF-style: chr3-50417204-G-A.
Other names: c.945C>T, p.Cys315= (NM_001005505.3, NM_001174051.3); c.738C>T, p.Cys246= (NM_001291101.1).
Identifiers: ClinVar variation 411007 (VCV000411007.25), dbSNP rs147958763, ClinGen allele CA2419020.